The following is an entry in ClinVar:

NM_001369369.1(FOXN1):c.1493C>G (p.Pro498Arg)

Gene: FOXN1 (forkhead box N1; plus strand). Cytogenetic location: 17q11.2.
Variant type: single nucleotide variant.
Coding change: c.1493C>G on transcript NM_001369369.1 (MANE Select); coding-DNA position 1493, C replaced by G.
Protein change: p.Pro498Arg; replaces proline 498 with arginine.
Molecular consequence: missense variant.
Genome position (GRCh38, 1-based): chr17:28,535,064, C>G. VCF-style: chr17-28535064-C-G. GRCh37 (hg19) VCF-style: chr17-26862082-C-G.
Other names: c.1493C>G, p.Pro498Arg (NM_003593.3); short protein forms P498R.
Identifiers: ClinVar variation 946042 (VCV000946042.4), dbSNP rs932776196, ClinGen allele CA289120336.
Genomic context (GRCh38, chr17:28,535,064, plus strand): 5'-ACCTTGAGCTGCGGGCCCAGCCAGGCACCCCCCAGGACTCGCCTCTGCCTGCCCACACCC[C>G]ACCCAGCCACAGTGCCAAGCTACTGGCCGAGCCTTCCCCAGCCAGGACTATGCACGACAC-3'
Protein context (NP_001356298.1, residues 488-508): PQDSPLPAHT[Pro498Arg]PSHSAKLLAE

ClinVar aggregate classification (germline): Uncertain significance (1 of 4 stars; one submission).

Conditions:
T-cell immunodeficiency, congenital alopecia, and nail dystrophy. Also called: Congenital alopecia and nail dystrophy associated with severe functional T-cell immunodeficiency; Pignata Guarino syndrome. Identifiers: Orphanet 169095, MedGen C1866426, MONDO:0011132, OMIM 601705.

Allele frequency attached by ClinVar (database versions not stated): gnomAD exomes below 0.00001; gnomAD 0.00001.

Submission:

Labcorp Genetics (formerly Invitae), Labcorp
Classification: Uncertain significance for T-cell immunodeficiency, congenital alopecia, and nail dystrophy. Last evaluated: 2022-11-01. Review status: criteria provided, single submitter. Criteria: Invitae Variant Classification Sherloc (09022015). Collection method: clinical testing. Allele origin: germline.
Comment: This sequence change replaces proline, which is neutral and non-polar, with arginine, which is basic and polar, at codon 498 of the FOXN1 protein (p.Pro498Arg). This variant is not present in population databases (gnomAD no frequency). This variant has not been reported in the literature in individuals affected with FOXN1-related conditions. ClinVar contains an entry for this variant (Variation ID: 946042). Advanced modeling of protein sequence and biophysical properties (such as structural, functional, and spatial information, amino acid conservation, physicochemical variation, residue mobility, and thermodynamic stability) performed at Invitae indicates that this missense variant is not expected to disrupt FOXN1 protein function. In summary, the available evidence is currently insufficient to determine the role of this variant in disease. Therefore, it has been classified as a Variant of Uncertain Significance.